The following is an entry in ClinVar:

NM_006231.4(POLE):c.1969A>G (p.Asn657Asp)

Gene: POLE (DNA polymerase epsilon, catalytic subunit; minus strand). Cytogenetic location: 12q24.33.
Variant type: single nucleotide variant.
Coding change: c.1969A>G on transcript NM_006231.4 (MANE Select); coding-DNA position 1969, A replaced by G.
Protein change: p.Asn657Asp; replaces asparagine 657 with aspartic acid.
Molecular consequence: missense variant.
Genome position (GRCh38, 1-based): chr12:132,668,692, T>C on the plus strand (A>G on the coding strand, the complement: POLE is on the minus strand). VCF-style: chr12-132668692-T-C. GRCh37 (hg19) VCF-style: chr12-133245278-T-C.
Other names: short protein forms N657D.
Identifiers: ClinVar variation 1482856 (VCV001482856.8), dbSNP rs1374450467, ClinGen allele CA387355054.

ClinVar aggregate classification (germline): Uncertain significance (1 of 4 stars; one submission).

Allele frequency attached by ClinVar (database versions not stated): gnomAD exomes below 0.00001.
gnomAD v4.1: 1 of 1,614,054 alleles (0.000062%); highest among the groups gnomAD compares: South Asian, 0.0011%; no homozygotes.

Submission:

Labcorp Genetics (formerly Invitae), Labcorp
Classification: Uncertain significance. Last evaluated: 2024-10-23. Review status: criteria provided, single submitter. Criteria: Invitae Variant Classification Sherloc (09022015). Collection method: clinical testing. Allele origin: germline.
Comment: This sequence change replaces asparagine, which is neutral and polar, with aspartic acid, which is acidic and polar, at codon 657 of the POLE protein (p.Asn657Asp). This variant is present in population databases (no rsID available, gnomAD 0.003%). This variant has not been reported in the literature in individuals affected with POLE-related conditions. ClinVar contains an entry for this variant (Variation ID: 1482856). Invitae Evidence Modeling of protein sequence and biophysical properties (such as structural, functional, and spatial information, amino acid conservation, physicochemical variation, residue mobility, and thermodynamic stability) indicates that this missense variant is expected to disrupt POLE protein function with a positive predictive value of 80%. In summary, the available evidence is currently insufficient to determine the role of this variant in disease. Therefore, it has been classified as a Variant of Uncertain Significance.